The following is an entry in ClinVar:

ClinVar aggregate classification (germline): Uncertain significance (1 of 4 stars; one submission).

Conditions:
Emery-Dreifuss muscular dystrophy (EDMD). Also called: Scapuloperoneal syndrome, X-linked (formerly); Humeroperoneal neuromuscular disease, (formerly). Identifiers: Orphanet 261, MedGen C0410189, MONDO:0016830.

Submission:

Labcorp Genetics (formerly Invitae), Labcorp
Classification: Uncertain significance for Emery-Dreifuss muscular dystrophy. Last evaluated: 2021-12-22. Review status: criteria provided, single submitter. Criteria: Invitae Variant Classification Sherloc (09022015). Collection method: clinical testing. Allele origin: germline.
Comment: This variant has not been reported in the literature in individuals affected with SUN1-related conditions. In summary, the available evidence is currently insufficient to determine the role of this variant in disease. Therefore, it has been classified as a Variant of Uncertain Significance. Algorithms developed to predict the effect of missense changes on protein structure and function are either unavailable or do not agree on the potential impact of this missense change (SIFT: "Tolerated"; PolyPhen-2: "Probably Damaging"; Align-GVGD: "Class C15"). This variant is not present in population databases (gnomAD no frequency). This sequence change replaces serine, which is neutral and polar, with cysteine, which is neutral and slightly polar, at codon 138 of the SUN1 protein (p.Ser138Cys).

NM_001130965.3(SUN1):c.413C>G (p.Ser138Cys)

Gene: SUN1 (Sad1 and UNC84 domain containing 1; plus strand). Cytogenetic location: 7p22.3.
Variant type: single nucleotide variant.
Coding change: c.413C>G on transcript NM_001130965.3 (MANE Select); coding-DNA position 413, C replaced by G.
Protein change: p.Ser138Cys; replaces serine 138 with cysteine.
Molecular consequence: missense variant. On other transcripts: 5 prime UTR variant (4), non-coding transcript variant (3).
Genome position (GRCh38, 1-based): chr7:842,092, C>G. VCF-style: chr7-842092-C-G. GRCh37 (hg19) VCF-style: chr7-881729-C-G.
Other names: c.263C>G, p.Ser88Cys (NM_001367645.1, NM_001367646.1, NM_001367647.1 and 25 more transcripts); c.632C>G, p.Ser211Cys (NM_001367651.1); c.413C>G, p.Ser138Cys (NM_001367653.1, NM_001367664.1, NM_001367665.1 and 34 more transcripts); c.-349C>G (NM_001367658.1); c.476C>G, p.Ser159Cys (NM_001171945.2); c.-45C>G (NM_001367635.1); c.-155C>G (NM_001367639.1, NM_001367708.1); c.224C>G, p.Ser75Cys (NM_001367695.1); short protein forms S138C, S75C, S159C, S211C, S88C.
Identifiers: ClinVar variation 1967732 (VCV001967732.5), dbSNP rs2486276219, ClinGen allele CA366547122.